The following is an entry in ClinVar:

ClinVar aggregate classification (germline): Uncertain significance. Review status: criteria provided, multiple submitters, no conflicts (2 of 4 stars). 2 submissions from 2 submitters: Uncertain significance (2). Last evaluated 2024-11-01.

Conditions:
Developmental and epileptic encephalopathy, 11 (DEE11). Also called: Early infantile epileptic encephalopathy 11. Identifiers: Orphanet 1934, MedGen C3150987, MONDO:0013388, OMIM 613721.
Seizures, benign familial infantile, 3 (BFIS3). Also called: Familial neonatal seizures; CONVULSIONS, BENIGN FAMILIAL INFANTILE, 3. Identifiers: Orphanet 140927, Orphanet 306, MedGen C1843140, MONDO:0011904, OMIM 607745.

Submissions (2):

CeGaT Center for Human Genetics Tuebingen
Classification: Uncertain significance. Last evaluated: 2024-11-01. Review status: criteria provided, single submitter. Criteria: CeGaT Center For Human Genetics Tuebingen Variant Classification Criteria Version 2. Collection method: clinical testing. Allele origin: germline. Affected: yes. Observed: 1 variant allele.
Comment: SCN2A: PM2

Labcorp Genetics (formerly Invitae), Labcorp
Classification: Uncertain significance for Seizures, benign familial infantile, 3; Developmental and epileptic encephalopathy, 11. Last evaluated: 2017-07-06. Review status: criteria provided, single submitter. Criteria: Invitae Variant Classification Sherloc (09022015). Collection method: clinical testing. Allele origin: germline.
Comment: This variant is not present in population databases (ExAC no frequency). This sequence change replaces threonine with serine at codon 141 of the SCN2A protein (p.Thr141Ser). The threonine residue is highly conserved and there is a small physicochemical difference between threonine and serine. This variant has not been reported in the literature in individuals with SCN2A-related disease. Algorithms developed to predict the effect of missense changes on protein structure and function do not agree on the potential impact of this missense change (SIFT: "Deleterious"; PolyPhen-2: "Benign"; Align-GVGD: "Class C0"). Algorithms developed to predict the effect of sequence changes on RNA splicing suggest that this variant may create or strengthen a splice site, but this prediction has not been confirmed by published transcriptional studies. In summary, the available evidence is currently insufficient to determine the role of this variant in disease. Therefore, it has been classified as a Variant of Uncertain Significance.

NM_001040142.2(SCN2A):c.422C>G (p.Thr141Ser)

Gene: SCN2A (sodium voltage-gated channel alpha subunit 2; plus strand). Cytogenetic location: 2q24.3.
Variant type: single nucleotide variant.
Coding change: c.422C>G on transcript NM_001040142.2 (MANE Select); coding-DNA position 422, C replaced by G.
Protein change: p.Thr141Ser; replaces threonine 141 with serine.
Molecular consequence: missense variant.
Genome position (GRCh38, 1-based): chr2:165,307,883, C>G. VCF-style: chr2-165307883-C-G. GRCh37 (hg19) VCF-style: chr2-166164393-C-G.
Other names: c.422C>G, p.Thr141Ser (NM_001040143.2, NM_001371246.1, NM_001371247.1 and 1 more transcripts); short protein forms T141S.
Identifiers: ClinVar variation 464910 (VCV000464910.23), dbSNP rs1553567082, ClinGen allele CA349015115.
Genomic context (GRCh38, chr2:165,307,883, plus strand): 5'-TTTGTCTTCCTTGACGATATTCTACTTTATTCAATATGCTCATTATGTGCACGATTCTTA[C>G]CAACTGTGTATTTATGACCATGAGTAACCCTCCAGACTGGACAAAGAATGTGGAGTAAGT-3'
Protein context (NP_001035232.1, residues 131-151): FNMLIMCTIL[Thr141Ser]NCVFMTMSNP